The following is an entry in ClinVar:

ClinVar aggregate classification (germline): Pathogenic. Review status: reviewed by expert panel (3 of 4 stars). 4 submissions from 4 submitters: Pathogenic (1). 3 of the submissions do not count toward it. Last evaluated 2016-09-08.

Conditions:
Hereditary breast ovarian cancer syndrome. Also called: Hereditary breast and ovarian cancer syndrome; Hereditary breast and ovarian cancer syndrome (HBOC); BRCA1- and BRCA2-Associated Hereditary Breast and Ovarian Cancer; Breast and ovarian cancer; Hereditary breast and ovarian cancer; Hereditary breast and/or ovarian cancer syndrome. Identifiers: Orphanet 145, MedGen C0677776, MeSH D061325, MONDO:0003582. Disease mechanism: loss of function.
Breast-ovarian cancer, familial, susceptibility to, 1 (BROVCA1). Also called: OVARIAN CANCER, SUSCEPTIBILITY TO; BRCA1 Hereditary Breast and Ovarian Cancer. Identifiers: Orphanet 145, MedGen C2676676, MONDO:0011450, OMIM 604370. Disease mechanism: loss of function.

Submissions (4):

Evidence-based Network for the Interpretation of Germline Mutant Alleles (ENIGMA)
Classification: Pathogenic for Breast-ovarian cancer, familial, susceptibility to, 1. Last evaluated: 2016-09-08. Review status: reviewed by expert panel. Criteria: ENIGMA BRCA1/2 Classification Criteria (2015). Collection method: curation. Allele origin: germline.
Comment: Variant allele predicted to encode a truncated non-functional protein.

Labcorp Genetics (formerly Invitae), Labcorp
Classification: Pathogenic for Hereditary breast ovarian cancer syndrome. Last evaluated: 2023-06-09. Review status: criteria provided, single submitter. Criteria: Invitae Variant Classification Sherloc (09022015). Collection method: clinical testing. Allele origin: germline. Not counted in ClinVar's aggregate classification.
Comment: ClinVar contains an entry for this variant (Variation ID: 188407). This sequence change creates a premature translational stop signal (p.Cys328*) in the BRCA1 gene. It is expected to result in an absent or disrupted protein product. Loss-of-function variants in BRCA1 are known to be pathogenic (PMID: 20104584). This variant is not present in population databases (gnomAD no frequency). This premature translational stop signal has been observed in individual(s) with breast and/or ovarian cancer (PMID: 26848529, 29263802). For these reasons, this variant has been classified as Pathogenic.

Consortium of Investigators of Modifiers of BRCA1/2 (CIMBA), c/o University of Cambridge
Classification: Pathogenic for Breast-ovarian cancer, familial, susceptibility to, 1. Last evaluated: 2015-10-02. Review status: criteria provided, single submitter. Criteria: CIMBA Mutation Classification guidelines May 2016. Collection method: clinical testing. Allele origin: germline. Not counted in ClinVar's aggregate classification.

Department of Pathology and Laboratory Medicine, Sinai Health System
Classification: Pathogenic. Review status: no assertion criteria provided. Collection method: clinical testing. Allele origin: unknown. Affected: yes. Study: The Canadian Open Genetics Repository (COGR). Not counted in ClinVar's aggregate classification.
Comment: The BRCA1 c.984_988delTAATG variant was not identified in the literature, nor was it identified in the dbSNP, NHLBI Exome Sequencing Project (Exome Variant Server), Exome Aggregation Consortium (ExAC), HGMD, Fanconi Anemia Mutation Database (LOVD), COSMIC, ARUP Laboratories BRCA Mutations Database, or BIC. The c.984_988delTAATG variant is predicted to cause a frameshift, which alters the protein's amino acid sequence beginning at codon 328 and leads to a premature stop codon at position 328. This alteration is then predicted to result in a truncated or absent protein and loss of function. Loss of function variants of the BRCA1 gene are an established mechanism of disease in hereditary breast and ovarian cancer and is the type of variant expected to cause the disorder. In summary, based on the above information, this variant meets our laboratoryâ€šÃ„Ã´s criteria to be classified as pathogenic.

Literature cited by the submitters: PubMed 20104584 (cited by Labcorp Genetics (formerly Invitae), Labcorp); PubMed 26848529 (cited by Labcorp Genetics (formerly Invitae), Labcorp); PubMed 29263802 (cited by Labcorp Genetics (formerly Invitae), Labcorp).

NM_007294.4(BRCA1):c.984_988del (p.Cys328_Asp330delinsTer)

Gene: BRCA1 (BRCA1 DNA repair associated; minus strand). Cytogenetic location: 17q21.31.
Variant type: Deletion.
Coding change: c.984_988del on transcript NM_007294.4 (MANE Select); coding-DNA positions 984 to 988, 5 bases deleted (TAATG; older notation c.984_988delTAATG).
Protein change: p.Cys328_Asp330delinsTer.
Molecular consequence: nonsense. On other transcripts: frameshift variant (1), intron variant (137).
Genome position (GRCh38, 1-based): chr17:43,094,543-43,094,547, CATTA deleted on the plus strand (TAATG on the coding strand, the reverse complement: BRCA1 is on the minus strand); deleting any 5 consecutive bases within chr17:43,094,543-43,094,550 gives the same sequence; the c. name uses the placement nearest the transcript's 3' end. VCF-style (leftmost placement, unchanged base first): chr17-43094542-TCATTA-T. GRCh37 (hg19) VCF-style: chr17-41246559-TCATTA-T.
Other names: c.984_988delTAATG (NM_007294.3); c.774_778del, p.Cys258_Asp260delinsTer (NM_001407908.1, NM_001407909.1, NM_001407910.1 and 13 more transcripts); c.771_775del, p.Cys257_Asp259delinsTer (NM_001407915.1, NM_001407916.1, NM_001407917.1 and 9 more transcripts); c.861_865del, p.Cys287_Asp289delinsTer (NM_001407919.1, NM_001407937.1, NM_001407938.1 and 19 more transcripts); c.720_724del, p.Cys240_Asp242delinsTer (NM_001407920.1, NM_001407921.1, NM_001407922.1 and 9 more transcripts); c.717_721del, p.Cys239_Asp241delinsTer (NM_001407930.1, NM_001407931.1, NM_001407932.1 and 2 more transcripts); c.858_862del, p.Cys286_Asp288delinsTer (NM_001407940.1, NM_001407941.1, NM_001407649.1 and 11 more transcripts); c.843_847del, p.Cys281_Asp283delinsTer (NM_001407942.1, NM_001407944.1, NM_001407945.1 and 29 more transcripts); and 41 more.
Identifiers: ClinVar variation 188407 (VCV000188407.8), dbSNP rs786204262, ClinGen allele CA003998.
Genomic context (GRCh38, chr17:43,094,542, plus strand): 5'-CTCTCACACAGGGGATCAGCATTCAGATCTACCTTTTTTTCTGTGCTGGGAGTCCGCCTA[TCATTA>T]CATGTTTCCTTACTTCCAGCCCATCTGTTATGTTGGCTCCTTGCTAAGCCAGGCTGTTTG-3'